The following is an entry in ClinVar:

ClinVar aggregate classification (germline): Uncertain significance. Review status: criteria provided, multiple submitters, no conflicts (2 of 4 stars). 2 submissions from 2 submitters: Uncertain significance (2). Last evaluated 2025-08-25.

Conditions:
Succinate-semialdehyde dehydrogenase deficiency (SSADHD). Also called: Succinic Semialdehyde Dehydrogenase Deficiency; SSADH DEFICIENCY; 4-HYDROXYBUTYRIC ACIDURIA; GABA METABOLIC DEFECT. Identifiers: Orphanet 22, MedGen C0268631, MONDO:0010083, OMIM 271980.
Inborn genetic diseases. Identifiers: MedGen C0950123, MeSH D030342.

Allele frequency attached by ClinVar (database versions not stated): gnomAD exomes below 0.00001 and 0.00001; ExAC 0.00001; gnomAD 0.00003 and 0.00004; TOPMed 0.00003; 1000 Genomes Project 30x 0.00031; 1000 Genomes Project 0.00040.
gnomAD v4.1: 9 of 1,614,070 alleles (0.00056%); highest among the groups gnomAD compares: African/African-American, 0.008%; no homozygotes.

Submissions (2):

Ambry Genetics
Classification: Uncertain significance for Inborn genetic diseases. Last evaluated: 2025-08-25. Review status: criteria provided, single submitter. Criteria: Ambry Variant Classification Scheme 2023. Collection method: clinical testing. Allele origin: germline.

Labcorp Genetics (formerly Invitae), Labcorp
Classification: Uncertain significance for Succinate-semialdehyde dehydrogenase deficiency. Last evaluated: 2022-07-12. Review status: criteria provided, single submitter. Criteria: Invitae Variant Classification Sherloc (09022015). Collection method: clinical testing. Allele origin: germline.
Comment: In summary, the available evidence is currently insufficient to determine the role of this variant in disease. Therefore, it has been classified as a Variant of Uncertain Significance. Advanced modeling of protein sequence and biophysical properties (such as structural, functional, and spatial information, amino acid conservation, physicochemical variation, residue mobility, and thermodynamic stability) performed at Invitae indicates that this missense variant is not expected to disrupt ALDH5A1 protein function. ClinVar contains an entry for this variant (Variation ID: 857458). This variant has not been reported in the literature in individuals affected with ALDH5A1-related conditions. This variant is present in population databases (rs199686669, gnomAD 0.01%). This sequence change replaces valine, which is neutral and non-polar, with methionine, which is neutral and non-polar, at codon 396 of the ALDH5A1 protein (p.Val396Met).

NM_001080.3(ALDH5A1):c.1186G>A (p.Val396Met)

Gene: ALDH5A1 (aldehyde dehydrogenase 5 family member A1; plus strand). Cytogenetic location: 6p22.3.
Variant type: single nucleotide variant.
Coding change: c.1186G>A on transcript NM_001080.3 (MANE Select); coding-DNA position 1186, G replaced by A.
Protein change: p.Val396Met; replaces valine 396 with methionine.
Molecular consequence: missense variant.
Genome position (GRCh38, 1-based): chr6:24,528,009, G>A. VCF-style: chr6-24528009-G-A. GRCh37 (hg19) VCF-style: chr6-24528237-G-A.
Other names: c.1042G>A, p.Val348Met (NM_001368954.1); c.1225G>A, p.Val409Met (NM_170740.1); short protein forms V409M, V348M, V396M.
Identifiers: ClinVar variation 857458 (VCV000857458.9), dbSNP rs199686669, ClinGen allele CA3656877.